The following is an entry in ClinVar:

NM_199242.3(UNC13D):c.762del (p.Cys255fs)

Gene: UNC13D (unc-13 homolog D; minus strand). Cytogenetic location: 17q25.1.
Variant type: Deletion.
Coding change: c.762del on transcript NM_199242.3 (MANE Select); coding-DNA position 762, one base deleted (C; older notation c.762delC).
Protein change: p.Cys255fs; shifts the reading frame from cysteine 255.
Molecular consequence: frameshift variant.
Genome position (GRCh38, 1-based): chr17:75,840,321, G deleted on the plus strand (C on the coding strand, the reverse complement: UNC13D is on the minus strand). VCF-style (leftmost placement, unchanged base first): chr17-75840320-AG-A. GRCh37 (hg19) VCF-style: chr17-73836401-AG-A.
Other names: short protein forms C255fs.
Identifiers: ClinVar variation 988529 (VCV000988529.5), dbSNP rs1381855537, ClinGen allele CA627596577.

ClinVar aggregate classification (germline): Pathogenic. Review status: criteria provided, multiple submitters, no conflicts (2 of 4 stars). 2 submissions from 2 submitters: Pathogenic (2). Last evaluated 2023-10-07.

Conditions:
Familial hemophagocytic lymphohistiocytosis 3 (FHL3). Also called: UNC13D-Related Familial Hemophagocytic Lymphohistiocytosis (UNC13D-fHLH). Identifiers: Orphanet 540, MedGen C1837174, MONDO:0012146, OMIM 608898.

Allele frequency attached by ClinVar (database versions not stated): gnomAD exomes below 0.00001.

Submissions (2):

Labcorp Genetics (formerly Invitae), Labcorp
Classification: Pathogenic for Familial hemophagocytic lymphohistiocytosis 3. Last evaluated: 2023-10-07. Review status: criteria provided, single submitter. Criteria: Invitae Variant Classification Sherloc (09022015). Collection method: clinical testing. Allele origin: germline.
Comment: This sequence change creates a premature translational stop signal (p.Cys255Alafs*73) in the UNC13D gene. It is expected to result in an absent or disrupted protein product. Loss-of-function variants in UNC13D are known to be pathogenic (PMID: 14622600). This variant is present in population databases (no rsID available, gnomAD 0.003%). This premature translational stop signal has been observed in individual(s) with clinical features of UNC13D-related conditions (PMID: 27408432, 33225392, 33746956). ClinVar contains an entry for this variant (Variation ID: 988529). For these reasons, this variant has been classified as Pathogenic.

Clinical Genetics and Genomics, Karolinska University Hospital
Classification: Pathogenic. Last evaluated: 2016-02-16. Review status: criteria provided, single submitter. Criteria: ACMG Guidelines, 2015. Collection method: clinical testing. Allele origin: germline. Affected: yes. Observed: 4 variant alleles.

Literature cited by the submitters: PubMed 14622600 (cited by Labcorp Genetics (formerly Invitae), Labcorp); PubMed 27408432 (cited by Labcorp Genetics (formerly Invitae), Labcorp); PubMed 33225392 (cited by Labcorp Genetics (formerly Invitae), Labcorp); PubMed 33746956 (cited by Labcorp Genetics (formerly Invitae), Labcorp).